The following is an entry in ClinVar:

ClinVar aggregate classification (germline): Uncertain significance (1 of 4 stars; one submission).

Allele frequency attached by ClinVar (database versions not stated): gnomAD 0.00001; gnomAD exomes 0.00001; TOPMed 0.00001.
gnomAD v4.1: 7 of 1,613,090 alleles (0.00043%); highest among the groups gnomAD compares: African/African-American, 0.0013%; no homozygotes.

Submission:

Labcorp Genetics (formerly Invitae), Labcorp
Classification: Uncertain significance. Last evaluated: 2022-07-22. Review status: criteria provided, single submitter. Criteria: Invitae Variant Classification Sherloc (09022015). Collection method: clinical testing. Allele origin: germline.
Comment: This sequence change replaces aspartic acid, which is acidic and polar, with glutamic acid, which is acidic and polar, at codon 152 of the REEP6 protein (p.Asp152Glu). In summary, the available evidence is currently insufficient to determine the role of this variant in disease. Therefore, it has been classified as a Variant of Uncertain Significance. Experimental studies and prediction algorithms are not available or were not evaluated, and the functional significance of this variant is currently unknown. This variant has not been reported in the literature in individuals affected with REEP6-related conditions. This variant is present in population databases (no rsID available, gnomAD 0.01%).

NM_138393.4(REEP6):c.456C>G (p.Asp152Glu)

Gene: REEP6 (receptor accessory protein 6; plus strand). Cytogenetic location: 19p13.3.
Variant type: single nucleotide variant.
Coding change: c.456C>G on transcript NM_138393.4 (MANE Select); coding-DNA position 456, C replaced by G.
Protein change: p.Asp152Glu; replaces aspartic acid 152 with glutamic acid.
Molecular consequence: missense variant.
Genome position (GRCh38, 1-based): chr19:1,496,392, C>G. VCF-style: chr19-1496392-C-G. GRCh37 (hg19) VCF-style: chr19-1496391-C-G.
Other names: c.456C>G, p.Asp152Glu (NM_001329556.3); short protein forms D152E.
Identifiers: ClinVar variation 2075789 (VCV002075789.4), dbSNP rs1387565911, ClinGen allele CA402993989.
Genomic context (GRCh38, chr19:1,496,392, plus strand): 5'-TCTCATGCTGTATCAGCGCGTCGTGCGTCCGCTGTTCCTAAGGCACCACGGGGCCGTAGA[C>G]AGAATCATGAACGACCTCAGCGGGCGAGCCCTGGACGCGGCGGCCGGAATAACCAGGAAC-3'
Protein context (NP_612402.1, residues 142-162): PLFLRHHGAV[Asp152Glu]RIMNDLSGRA